The following is an entry in ClinVar:

NM_001247997.2(CLIP1):c.1893C>A (p.Ile631=)

Gene: CLIP1 (CAP-Gly domain containing linker protein 1; minus strand). Cytogenetic location: 12q24.31.
Variant type: single nucleotide variant.
Coding change: c.1893C>A on transcript NM_001247997.2 (MANE Select); coding-DNA position 1893, C replaced by A.
Protein change: p.Ile631=; no amino-acid change (isoleucine 631 retained).
Molecular consequence: synonymous variant.
Genome position (GRCh38, 1-based): chr12:122,341,311, G>T on the plus strand (C>A on the coding strand, the complement: CLIP1 is on the minus strand). VCF-style: chr12-122341311-G-T. GRCh37 (hg19) VCF-style: chr12-122825858-G-T.
Other names: c.1755C>A, p.Ile585= (NM_001389291.1, NM_198240.3); c.1860C>A, p.Ile620= (NM_002956.3).
Identifiers: ClinVar variation 3037615 (VCV003037615.2), dbSNP rs139321433, ClinGen allele CA6845474.

ClinVar aggregate classification (germline): Likely benign (0 of 4 stars; one submission).

Conditions:
CLIP1-related disorder. Also called: CLIP1-related condition.

gnomAD v4.1: 34 of 1,613,888 alleles (0.0021%); highest among the groups gnomAD compares: South Asian, 0.029%; no homozygotes.

Submission:

PreventionGenetics, part of Exact Sciences
Classification: Likely benign for CLIP1-related condition. Last evaluated: 2019-05-07. Review status: no assertion criteria provided. Collection method: clinical testing. Allele origin: germline.
Comment: This variant is classified as likely benign based on ACMG/AMP sequence variant interpretation guidelines (Richards et al. 2015 PMID: 25741868, with internal and published modifications).